The following is an entry in ClinVar:

NM_001089.3(ABCA3):c.1509GGA[3] (p.Glu506_Asp507insGlu)

Gene: ABCA3 (ATP binding cassette subfamily A member 3; minus strand). Cytogenetic location: 16p13.3.
Variant type: Microsatellite.
Coding change: c.1509GGA[3] on transcript NM_001089.3 (MANE Select); three copies in a row of the 3-base unit GGA starting at c.1509; the reference has two copies in a row; one copy, 3 bases duplicated.
Protein change: p.Glu506_Asp507insGlu.
Genome position (GRCh38, 1-based): chr16:2,300,102-2,300,104, TCC duplicated on the plus strand (GGA on the coding strand, the reverse complement: ABCA3 is on the minus strand); duplicating any 3 consecutive bases within chr16:2,300,102-2,300,108 gives the same sequence; the position shown is the placement nearest the transcript's 3' end. VCF-style (leftmost placement, unchanged base first): chr16-2300101-T-TTCC. GRCh37 (hg19) VCF-style: chr16-2350102-T-TTCC.
Identifiers: ClinVar variation 3693379 (VCV003693379.2).

ClinVar aggregate classification (germline): Uncertain significance (1 of 4 stars; one submission).

Submission:

Labcorp Genetics (formerly Invitae), Labcorp
Classification: Uncertain significance. Last evaluated: 2024-08-25. Review status: criteria provided, single submitter. Criteria: Invitae Variant Classification Sherloc (09022015). Collection method: clinical testing. Allele origin: germline.
Comment: This variant, c.1512_1514dup, results in the insertion of 1 amino acid(s) of the ABCA3 protein (p.Glu506dup), but otherwise preserves the integrity of the reading frame. This variant is not present in population databases (gnomAD no frequency). This variant has not been reported in the literature in individuals affected with ABCA3-related conditions. In summary, the available evidence is currently insufficient to determine the role of this variant in disease. Therefore, it has been classified as a Variant of Uncertain Significance.